The following is an entry in ClinVar:

ClinVar aggregate classification (germline): Pathogenic (1 of 4 stars; one submission).

Conditions:
Neurofibromatosis, type 1 (NF1). Also called: Peripheral type neurofibromatosis; VON RECKLINGHAUSEN DISEASE; NEUROFIBROMATOSIS, TYPE I, SOMATIC; Neurofibromatosis, type I. Identifiers: Orphanet 636, MedGen C0027831, MONDO:0018975, OMIM 162200. Disease mechanism: loss of function.

Submission:

Labcorp Genetics (formerly Invitae), Labcorp
Classification: Pathogenic for Neurofibromatosis, type 1. Last evaluated: 2024-01-04. Review status: criteria provided, single submitter. Criteria: Invitae Variant Classification Sherloc (09022015). Collection method: clinical testing. Allele origin: germline.
Comment: This sequence change creates a premature translational stop signal (p.Glu1206Leufs*10) in the NF1 gene. It is expected to result in an absent or disrupted protein product. Loss-of-function variants in NF1 are known to be pathogenic (PMID: 10712197, 23913538). This variant is not present in population databases (gnomAD no frequency). This variant has not been reported in the literature in individuals affected with NF1-related conditions. Algorithms developed to predict the effect of sequence changes on RNA splicing suggest that this variant may disrupt the consensus splice site. For these reasons, this variant has been classified as Pathogenic.

Literature cited by the submitters: PubMed 10712197; PubMed 23913538.

NM_001042492.3(NF1):c.3614_3615dup (p.Glu1206fs)

Gene: NF1 (neurofibromin 1; plus strand). Cytogenetic location: 17q11.2.
Variant type: Duplication.
Coding change: c.3614_3615dup on transcript NM_001042492.3 (MANE Select); coding-DNA positions 3614 to 3615, 2 bases duplicated (TT; older notation c.3614_3615dupTT).
Protein change: p.Glu1206fs; shifts the reading frame from glutamic acid 1206.
Molecular consequence: frameshift variant.
Genome position (GRCh38, 1-based): chr17:31,233,119-31,233,120, TT duplicated; duplicating any 2 consecutive bases within chr17:31,233,118-31,233,120 gives the same sequence; the c. name uses the placement nearest the transcript's 3' end. VCF-style (leftmost placement, unchanged base first): chr17-31233117-G-GTT. GRCh37 (hg19) VCF-style: chr17-29560135-G-GTT.
Other names: c.3614_3615dup, p.Glu1206Leufs (NM_000267.4); short protein forms E1206fs.
Identifiers: ClinVar variation 2707431 (VCV002707431.3), dbSNP rs2508239588, ClinGen allele CA2697559804.